The following is an entry in ClinVar:

NM_000169.3(GLA):c.680G>A (p.Arg227Gln)

Genes: GLA (galactosidase alpha; minus strand), RPL36A-HNRNPH2 (RPL36A-HNRNPH2 readthrough; plus strand). Cytogenetic location: Xq22.1.
Variant type: single nucleotide variant.
Coding change: c.680G>A on transcript NM_000169.3 (MANE Select); coding-DNA position 680, G replaced by A.
Protein change: p.Arg227Gln; replaces arginine 227 with glutamine.
Molecular consequence: missense variant. On other transcripts: non-coding transcript variant (3), intron variant (2).
Genome position (GRCh38, 1-based): chrX:101,398,906, C>T on the plus strand (G>A on the coding strand, the complement: GLA is on the minus strand). VCF-style: chrX-101398906-C-T. GRCh37 (hg19) VCF-style: chrX-100653894-C-T.
Other names: R227Q; p.R227Q:CGA>CAA; c.803G>A, p.Arg268Gln (NM_001406747.1); c.680G>A, p.Arg227Gln (NM_001406748.1); c.300+3449C>T (NM_001199973.2); c.177+7084C>T (NM_001199974.2); short protein forms R268Q.
Identifiers: ClinVar variation 10732 (VCV000010732.35), dbSNP rs104894840, ClinGen allele CA021972.

ClinVar aggregate classification (germline): Pathogenic. Review status: criteria provided, multiple submitters, no conflicts (2 of 4 stars). 13 submissions from 13 submitters: Pathogenic (12). 1 of the submissions does not count toward it. Last evaluated 2026-09-11.

Conditions:
Fabry disease. Also called: GLA DEFICIENCY; HEREDITARY DYSTOPIC LIPIDOSIS; Angiokeratoma corporis diffusum; Fabry's disease; ALPHA-GALACTOSIDASE A DEFICIENCY; ANDERSON-FABRY DISEASE. Identifiers: Orphanet 324, MedGen C0002986, MONDO:0010526, OMIM 301500, HP:0001071. Disease mechanism: Fabry disease is due to inactivating mutations in the X-linked GLA gene resulting in deficiency of the enzyme Alpha Galactosidase-A., loss of function.

Submissions (13):

GeneDx
Classification: Pathogenic. Last evaluated: 2026-09-11. Review status: criteria provided, single submitter. Criteria: GeneDx Variant Classification Process June 2021. Collection method: clinical testing. Allele origin: germline.
Comment: The p.(R227Q) missense variant in the GLA gene has been reported multiple times in association with the classic phenotype of Fabry disease (PMID: 7504405, 23935525); Functional studies in HEK-293 cells found that p.(R227Q) is associated with 0% residual enzyme activity compared to wild-type (PMID: 21598360, 23935525, 27657681); Not observed at significant frequency in large population cohorts (gnomAD); In silico analysis supports that this missense variant has a deleterious effect on protein structure/function; This variant is associated with the following publications: (PMID: 25382311, 29132836, 40120803, 26652600, 26047621, 27356758, 26691501, 28283366, 33204599, 26712400, 33437642, 20615758, 15713906, 10916280, 19387866, 18698230, 17206462, 30159316, 31341885, 30571380, 32442237, 32432376, 31447099, 12920095, 32203225, 31878969, 31996269, 32023956, 7504405, 23935525, 40692291, 27657681, 21598360)

Genomenon, Inc
Classification: Pathogenic for Fabry disease. Last evaluated: 2026-09-08. Review status: criteria provided, single submitter. Criteria: Genomenon Sequence Variant Interpretation Standards - Updated. Collection method: curation. Allele origin: germline. Affected: yes.
Comment: GLA p.Arg227Gln (c.680G>A) is a missense variant that changes the amino acid at codon 227 from Arginine to Glutamine. This variant has been observed in at least one proband with clinical features consistent with Fabry disease (PMID:30371172;33906135;29950951;26303609;37940383;15091117;38002959;26652600;12920095;28283366;40692291). The variant was found to segregate with disease in at least one affected family (PMID:26652600;28283366;30739116;17206462;40692291;38002959;15713906;34877240;28069318;12920095). At least one functional study has demonstrated a substantial alteration in protein function relative to the wild-type (PMID:32023956;21598360;23935525;27657681). This variant is located in a mutational hotspot and/or important functional domain. It is absent or not present at a significant frequency in gnomAD. In silico models predict that this variant is possibly or probably damaging. In conclusion, we classify GLA p.Arg227Gln (c.680G>A) as a pathogenic variant.

Labcorp Genetics (formerly Invitae), Labcorp
Classification: Pathogenic for Fabry disease. Last evaluated: 2025-12-15. Review status: criteria provided, single submitter. Criteria: Invitae Variant Classification Sherloc (09022015). Collection method: clinical testing. Allele origin: germline.
Comment: This sequence change replaces arginine, which is basic and polar, with glutamine, which is neutral and polar, at codon 227 of the GLA protein (p.Arg227Gln). This variant is not present in population databases (gnomAD no frequency). This missense change has been observed in individuals with Fabry disease (PMID: 7504405, 10916280, 15713906, 17206462, 26652600). ClinVar contains an entry for this variant (Variation ID: 10732). Invitae Evidence Modeling of protein sequence and biophysical properties (such as structural, functional, and spatial information, amino acid conservation, physicochemical variation, residue mobility, and thermodynamic stability) indicates that this missense variant is expected to disrupt GLA protein function with a positive predictive value of 80%. Experimental studies have shown that this missense change affects GLA function (PMID: 21598360, 23935525). For these reasons, this variant has been classified as Pathogenic.

Revvity Omics, Revvity
Classification: Pathogenic. Last evaluated: 2025-03-10. Review status: criteria provided, single submitter. Criteria: ACMG Guidelines, 2015. Collection method: clinical testing. Allele origin: germline.

Color Diagnostics, LLC DBA Color Health
Classification: Pathogenic for Fabry disease. Last evaluated: 2024-11-18. Review status: criteria provided, single submitter. Criteria: ACMG Guidelines, 2015. Collection method: clinical testing. Allele origin: germline.
Comment: This missense variant replaces arginine with glutamine at codon 227 of the GLA protein. Computational prediction suggests that this variant may have deleterious impact on protein structure and function. In vitro functional studies using transfected HEK-293 cells as well as patient-derived cell lines have shown that this variant causes a significant reduction in GLA enzyme activity (PMID: 18698230, 21598360, 23935525, 32023956). This variant has been reported in at least nine males and eight females affected with Fabry disease (PMID: 10916280, 12920095, 15713906, 28283366, 29132836, 29950951, 30738278, 32813676, 33204599, 33807900, 34877240, 36140787, 38002959). It has been shown that this variant segregates with disease in multiple affected individuals, both male and female, in one large family (PMID: 20615758). This variant has not been identified in the general population by the Genome Aggregation Database (gnomAD). Based on the available evidence, this variant is classified as Pathogenic.

All of Us Research Program, National Institutes of Health
Classification: Pathogenic for Fabry disease. Last evaluated: 2024-09-27. Review status: criteria provided, single submitter. Criteria: ACMG Guidelines, 2015. Collection method: clinical testing. Allele origin: germline. Inheritance: X-linked inheritance. Observed: 2 variant alleles, 2 heterozygotes.
Comment: This missense variant replaces arginine with glutamine at codon 227 of the GLA protein. Computational prediction suggests that this variant may have a deleterious impact on protein structure and function. In vitro functional studies using transfected HEK-293 cells as well as patient-derived cell lines have shown that this variant causes a significant reduction in GLA enzyme activity (PMID: 18698230, 21598360, 23935525, 32023956). This variant has been reported in at least nine males and eight females affected with Fabry disease (PMID: 10916280, 12920095, 15713906, 28283366, 29132836, 29950951, 30738278, 32813676, 33204599, 33807900, 34877240, 36140787). It has been shown that this variant segregates with disease in multiple affected individuals, both male and female, in one large family (PMID: 20615758). This variant has not been identified in the general population by the Genome Aggregation Database (gnomAD). Based on the available evidence, this variant is classified as Pathogenic.

This study involves interpretation of variants in research participants for the purpose of population health screening. Participant phenotype was not available at the time of variant classification. Additional details can be found in publication PMID: 35346344, PMCID: PMC8962531

Laboratory for Molecular Medicine, Mass General Brigham Personalized Medicine
Classification: Pathogenic for Fabry disease. Last evaluated: 2024-03-20. Review status: criteria provided, single submitter. Criteria: ACMG Guidelines, 2015. Collection method: clinical testing. Allele origin: germline.
Comment: proposed classification - variant undergoing re-assessment, contact laboratory

Mayo Clinic Laboratories, Mayo Clinic
Classification: Pathogenic. Last evaluated: 2023-02-28. Review status: criteria provided, single submitter. Criteria: ACMG Guidelines, 2015. Collection method: clinical testing. Allele origin: germline. Observed: 2 variant alleles.
Comment: PP3, PP4, PM2_moderate, PS3, PS4_moderate

Genome-Nilou Lab
Classification: Pathogenic for Fabry disease. Last evaluated: 2021-07-15. Review status: criteria provided, single submitter. Criteria: ACMG Guidelines, 2015. Collection method: clinical testing. Allele origin: germline. Affected: no.

Women's Health and Genetics/Laboratory Corporation of America, LabCorp
Classification: Pathogenic for Fabry disease. Last evaluated: 2020-11-09. Review status: criteria provided, single submitter. Criteria: LabCorp Variant Classification Summary - May 2015. Collection method: clinical testing. Allele origin: germline.
Comment: Variant summary: GLA c.680G>A (p.Arg227Gln) results in a conservative amino acid change in the encoded protein sequence. Four of five in-silico tools predict a damaging effect of the variant on protein function. The variant was absent in 183490 control chromosomes (gnomAD). c.680G>A has been reported in the literature in multiple individuals affected with Fabry Disease (e.g. Morrone_2003, Eng_1993, Morier_2010). Several of these patients had classic Fabry phenotype. These data indicate that the variant is very likely to be associated with disease. In functional studies, the variant was found to have greatly reduced enzymatic activity (Lukas_2013, Morrone_2003, Wu_2011). Four other ClinVar submitters (evaluation after 2014) cite the variant as pathogenic. Based on the evidence outlined above, the variant was classified as pathogenic.

Eurofins Ntd Llc (ga)
Classification: Pathogenic. Last evaluated: 2016-01-12. Review status: criteria provided, single submitter. Criteria: EGL Classification Definitions 2015. Collection method: clinical testing. Allele origin: germline. Observed: 5 variant alleles, 5 heterozygotes.

3billion
Classification: Pathogenic for Fabry disease. Review status: criteria provided, single submitter. Criteria: ACMG Guidelines, 2015. Collection method: clinical testing. Allele origin: unknown. Affected: yes. Observed: 1 heterozygote.
Comment: The variant is not observed in the gnomAD v2.1.1 dataset. Functional studies provide strong evidence of the variant having a damaging effect on the gene or gene product (PMID: 18698230, 19387866, 21598360, 23935525, 27657681). In silico tool predictions suggest damaging effect of the variant on gene or gene product (REVEL: 0.97; 3Cnet: 1.00). Same nucleotide change resulting in same amino acid change has been previously reported as pathogenic/likely pathogenic with strong evidence (ClinVar ID: VCV000010732 / PMID: 7504405). A different missense change at the same codon (p.Arg227Pro) has been reported to be associated with GLA related disorder (ClinVar ID: VCV000217394 / PMID: 26415523). Therefore, this variant is classified as Pathogenic according to the recommendation of ACMG/AMP guideline.

OMIM
Classification: Pathogenic for FABRY DISEASE. Last evaluated: 1993-12-01. Review status: no assertion criteria provided. Collection method: literature only. Allele origin: germline. Not counted in ClinVar's aggregate classification.

Literature cited by the submitters: PubMed 30371172 (cited by Genomenon, Inc); PubMed 33906135 (cited by Genomenon, Inc); PubMed 29950951 (cited by 3 submitters); PubMed 26303609 (cited by Genomenon, Inc); PubMed 37940383 (cited by Genomenon, Inc); PubMed 15091117 (cited by Genomenon, Inc); PubMed 38002959 (cited by Genomenon, Inc and Color Diagnostics, LLC DBA Color Health); PubMed 26652600 (cited by 3 submitters); PubMed 12920095 (cited by 5 submitters); PubMed 28283366 (cited by 3 submitters); PubMed 40692291 (cited by Genomenon, Inc); PubMed 30739116 (cited by Genomenon, Inc); PubMed 17206462 (cited by Genomenon, Inc and Labcorp Genetics (formerly Invitae), Labcorp); PubMed 15713906 (cited by 4 submitters); PubMed 34877240 (cited by 3 submitters); PubMed 28069318 (cited by Genomenon, Inc); PubMed 32023956 (cited by 3 submitters); PubMed 21598360 (cited by 8 submitters); PubMed 23935525 (cited by 7 submitters); PubMed 27657681 (cited by Genomenon, Inc and 3billion); PubMed 7504405 (cited by 6 submitters); PubMed 10916280 (cited by 3 submitters); PubMed 18698230 (cited by 3 submitters); PubMed 20615758 (cited by 4 submitters); PubMed 29132836 (cited by Color Diagnostics, LLC DBA Color Health and All of Us Research Program, National Institutes of Health); PubMed 30738278 (cited by Color Diagnostics, LLC DBA Color Health and All of Us Research Program, National Institutes of Health); PubMed 32813676 (cited by Color Diagnostics, LLC DBA Color Health and All of Us Research Program, National Institutes of Health); PubMed 33204599 (cited by 3 submitters); PubMed 33807900 (cited by Color Diagnostics, LLC DBA Color Health and All of Us Research Program, National Institutes of Health); PubMed 36140787 (cited by Color Diagnostics, LLC DBA Color Health and All of Us Research Program, National Institutes of Health); PubMed 33437642 (cited by Laboratory for Molecular Medicine, Mass General Brigham Personalized Medicine); PubMed 26415523 (cited by 3billion); PubMed 19387866 (cited by 3billion).